The following is an entry in ClinVar:

NM_002661.5(PLCG2):c.1072+4A>G

Gene: PLCG2 (phospholipase C gamma 2; plus strand). Cytogenetic location: 16q23.3.
Variant type: single nucleotide variant.
Coding change: c.1072+4A>G on transcript NM_002661.5 (MANE Select); 4 bases into the intron after coding-DNA position 1072, A replaced by G.
Molecular consequence: intron variant.
Genome position (GRCh38, 1-based): chr16:81,893,798, A>G. VCF-style: chr16-81893798-A-G. GRCh37 (hg19) VCF-style: chr16-81927403-A-G.
Identifiers: ClinVar variation 1492741 (VCV001492741.6), dbSNP rs1461809343, ClinGen allele CA724757173.

ClinVar aggregate classification (germline): Uncertain significance (1 of 4 stars; one submission).

Conditions:
Familial cold autoinflammatory syndrome 3 (FCAS3). Also called: FAMILIAL ATYPICAL COLD URTICARIA; ANTIBODY DEFICIENCY AND IMMUNE DYSREGULATION, PLCG2-ASSOCIATED. Identifiers: Orphanet 300359, MedGen C3280914, MONDO:0013766, OMIM 614468.

Allele frequency attached by ClinVar (database versions not stated): TOPMed below 0.00001; gnomAD 0.00001.

Submission:

Labcorp Genetics (formerly Invitae), Labcorp
Classification: Uncertain significance for Familial cold autoinflammatory syndrome 3. Last evaluated: 2021-12-08. Review status: criteria provided, single submitter. Criteria: Invitae Variant Classification Sherloc (09022015). Collection method: clinical testing. Allele origin: germline.
Comment: This variant has not been reported in the literature in individuals affected with PLCG2-related conditions. In summary, the available evidence is currently insufficient to determine the role of this variant in disease. Therefore, it has been classified as a Variant of Uncertain Significance. Variants that disrupt the consensus splice site are a relatively common cause of aberrant splicing (PMID: 17576681, 9536098). Algorithms developed to predict the effect of sequence changes on RNA splicing suggest that this variant may disrupt the consensus splice site. This variant is not present in population databases (gnomAD no frequency). This sequence change falls in intron 12 of the PLCG2 gene. It does not directly change the encoded amino acid sequence of the PLCG2 protein. It affects a nucleotide within the consensus splice site.

Literature cited by the submitters: PubMed 17576681; PubMed 9536098.